The following is an entry in ClinVar:

NM_000321.3(RB1):c.1355dup (p.Leu452fs)

Gene: RB1 (RB transcriptional corepressor 1; plus strand). Cytogenetic location: 13q14.2.
Variant type: Duplication.
Coding change: c.1355dup on transcript NM_000321.3 (MANE Select); coding-DNA position 1355, one base duplicated (T; older notation c.1355dupT).
Protein change: p.Leu452fs; shifts the reading frame from leucine 452.
Molecular consequence: frameshift variant.
Genome position (GRCh38, 1-based): chr13:48,379,616, T duplicated; the last of 2 consecutive T bases (chr13:48,379,615-48,379,616); duplicating either gives the same sequence. VCF-style (leftmost placement, unchanged base first): chr13-48379614-C-CT. GRCh37 (hg19) VCF-style: chr13-48953750-C-CT.
Other names: c.1355dup, p.Leu452Phefs (NM_001407165.1, NM_001407166.1); short protein forms L452fs.
Identifiers: ClinVar variation 2126159 (VCV002126159.4), dbSNP rs2542202867, ClinGen allele CA2580087584.

ClinVar aggregate classification (germline): Pathogenic (1 of 4 stars; one submission).

Conditions:
Retinoblastoma (RB1). Also called: RETINOBLASTOMA, SOMATIC. Identifiers: Orphanet 790, MedGen C0035335, MeSH D012175, MONDO:0008380, OMIM 180200, HP:0009919. Disease mechanism: loss of function. Inheritance: Both sporadic and heritable forms are tested..

Submission:

Labcorp Genetics (formerly Invitae), Labcorp
Classification: Pathogenic for Retinoblastoma. Last evaluated: 2022-04-15. Review status: criteria provided, single submitter. Criteria: Invitae Variant Classification Sherloc (09022015). Collection method: clinical testing. Allele origin: germline.
Comment: For these reasons, this variant has been classified as Pathogenic. This variant has not been reported in the literature in individuals affected with RB1-related conditions. This variant is not present in population databases (gnomAD no frequency). This sequence change creates a premature translational stop signal (p.Leu452Phefs*11) in the RB1 gene. It is expected to result in an absent or disrupted protein product. Loss-of-function variants in RB1 are known to be pathogenic (PMID: 17096365).

Literature cited by the submitters: PubMed 17096365.